The following is an entry in ClinVar:

NM_003482.4(KMT2D):c.2232A>C (p.Ser744=)

Gene: KMT2D (lysine methyltransferase 2D; minus strand). Cytogenetic location: 12q13.12.
Variant type: single nucleotide variant.
Coding change: c.2232A>C on transcript NM_003482.4 (MANE Select); coding-DNA position 2232, A replaced by C.
Protein change: p.Ser744=; no amino-acid change (serine 744 retained).
Molecular consequence: synonymous variant.
Genome position (GRCh38, 1-based): chr12:49,051,451, T>G on the plus strand (A>C on the coding strand, the complement: KMT2D is on the minus strand). VCF-style: chr12-49051451-T-G. GRCh37 (hg19) VCF-style: chr12-49445234-T-G.
Identifiers: ClinVar variation 158752 (VCV000158752.44), dbSNP rs200155807, ClinGen allele CA172419.

ClinVar aggregate classification (germline): Conflicting classifications of pathogenicity. Review status: criteria provided, conflicting classifications (1 of 4 stars). 6 submissions from 6 submitters: Uncertain significance (1); Likely benign (4). 1 of the submissions does not count toward it. Last evaluated 2025-11-10.

Conditions:
KMT2D-related disorder. Also called: KMT2D-Related Disorders.
Kabuki syndrome. Also called: Kabuki make-up syndrome; NIIKAWA-KUROKI SYNDROME. Identifiers: Orphanet 2322, MedGen C0796004, MONDO:0016512.

Allele frequency attached by ClinVar (database versions not stated): ExAC 0.00002; gnomAD exomes 0.00002; gnomAD 0.00014 and 0.00015.

Submissions (6):

Labcorp Genetics (formerly Invitae), Labcorp
Classification: Likely benign for Kabuki syndrome. Last evaluated: 2025-11-10. Review status: criteria provided, single submitter. Criteria: Invitae Variant Classification Sherloc (09022015). Collection method: clinical testing. Allele origin: germline.

Blueprint Genetics
Classification: Likely benign. Last evaluated: 2024-10-14. Review status: criteria provided, single submitter. Criteria: ACMG Guidelines, 2015. Collection method: clinical testing. Allele origin: germline.

CeGaT Center for Human Genetics Tuebingen
Classification: Likely benign. Last evaluated: 2022-09-01. Review status: criteria provided, single submitter. Criteria: CeGaT Center For Human Genetics Tuebingen Variant Classification Criteria Version 2. Collection method: clinical testing. Allele origin: germline. Affected: yes. Observed: 1 variant allele.
Comment: KMT2D: BP4, BP7

Eurofins Ntd Llc (ga)
Classification: Uncertain significance. Last evaluated: 2016-04-12. Review status: criteria provided, single submitter. Criteria: EGL Classification Definitions 2015. Collection method: clinical testing. Allele origin: germline. Observed: 1 variant allele, 1 heterozygote.

Genetic Services Laboratory, University of Chicago
Classification: Likely benign. Last evaluated: 2013-02-08. Review status: criteria provided, single submitter. Criteria: ACMG Guidelines, 2007. Collection method: clinical testing. Allele origin: germline. Inheritance: Autosomal dominant inheritance.

PreventionGenetics, part of Exact Sciences
Classification: Likely benign for KMT2D-related condition. Last evaluated: 2021-07-28. Review status: no assertion criteria provided. Collection method: clinical testing. Allele origin: germline. Not counted in ClinVar's aggregate classification.
Comment: This variant is classified as likely benign based on ACMG/AMP sequence variant interpretation guidelines (Richards et al. 2015 PMID: 25741868, with internal and published modifications).